The following is an entry in ClinVar:

ClinVar aggregate classification (germline): Uncertain significance. Review status: criteria provided, multiple submitters, no conflicts (2 of 4 stars). 2 submissions from 2 submitters: Uncertain significance (2). Last evaluated 2021-08-09.

Conditions:
Cardiovascular phenotype. Identifiers: MedGen CN230736.
Hypertrophic cardiomyopathy 14. Identifiers: MedGen C2750467, MONDO:0013197, OMIM 613251.

Allele frequency attached by ClinVar (database versions not stated): ExAC 0.00001; gnomAD 0.00001; TOPMed 0.00001; ESP Exome Variant Server 0.00008.

Submissions (2):

Labcorp Genetics (formerly Invitae), Labcorp
Classification: Uncertain significance for Hypertrophic cardiomyopathy 14. Last evaluated: 2021-08-09. Review status: criteria provided, single submitter. Criteria: Invitae Variant Classification Sherloc (09022015). Collection method: clinical testing. Allele origin: germline.
Comment: This sequence change replaces methionine with threonine at codon 1431 of the MYH6 protein (p.Met1431Thr). The methionine residue is weakly conserved and there is a moderate physicochemical difference between methionine and threonine. This variant is present in population databases (rs146015292, ExAC 0.001%). This variant has not been reported in the literature in individuals with MYH6-related disease. Algorithms developed to predict the effect of missense changes on protein structure and function do not agree on the potential impact of this missense change (SIFT: "Tolerated"; PolyPhen-2: "Possibly Damaging"; Align-GVGD: "Class C0"). In summary, the available evidence is currently insufficient to determine the role of this variant in disease. Therefore, it has been classified as a Variant of Uncertain Significance.

Ambry Genetics
Classification: Uncertain significance for Cardiovascular phenotype. Last evaluated: 2020-12-31. Review status: criteria provided, single submitter. Criteria: Ambry Variant Classification Scheme 2023. Collection method: clinical testing. Allele origin: germline.
Comment: The p.M1431T variant (also known as c.4292T>C), located in coding exon 28 of the MYH6 gene, results from a T to C substitution at nucleotide position 4292. The methionine at codon 1431 is replaced by threonine, an amino acid with similar properties. This amino acid position is highly conserved in available vertebrate species. In addition, this alteration is predicted to be deleterious by in silico analysis. Since supporting evidence is limited at this time, the clinical significance of this alteration remains unclear.

NM_002471.4(MYH6):c.4292T>C (p.Met1431Thr)

Gene: MYH6 (myosin heavy chain 6; minus strand). Cytogenetic location: 14q11.2.
Variant type: single nucleotide variant.
Coding change: c.4292T>C on transcript NM_002471.4 (MANE Select); coding-DNA position 4292, T replaced by C.
Protein change: p.Met1431Thr; replaces methionine 1431 with threonine.
Molecular consequence: missense variant.
Genome position (GRCh38, 1-based): chr14:23,388,222, A>G on the plus strand (T>C on the coding strand, the complement: MYH6 is on the minus strand). VCF-style: chr14-23388222-A-G. GRCh37 (hg19) VCF-style: chr14-23857431-A-G.
Other names: short protein forms M1431T.
Identifiers: ClinVar variation 537956 (VCV000537956.10), dbSNP rs146015292, ClinGen allele CA7114831.